The following is an entry in ClinVar:

ClinVar aggregate classification (germline): Pathogenic (1 of 4 stars; one submission).

Conditions:
Duchenne muscular dystrophy (DMD). Also called: Duchenne Muscular Dystrophy (DMD); MUSCULAR DYSTROPHY, PSEUDOHYPERTROPHIC PROGRESSIVE, DUCHENNE TYPE. Identifiers: Orphanet 98896, MedGen C0013264, MONDO:0010679, OMIM 310200.

Submission:

Labcorp Genetics (formerly Invitae), Labcorp
Classification: Pathogenic for Duchenne muscular dystrophy. Last evaluated: 2021-01-08. Review status: criteria provided, single submitter. Criteria: Invitae Variant Classification Sherloc (09022015). Collection method: clinical testing. Allele origin: germline.
Comment: For these reasons, this variant has been classified as Pathogenic. This variant has not been reported in the literature in individuals with DMD-related conditions. This variant is not present in population databases (ExAC no frequency). This sequence change creates a premature translational stop signal (p.Leu1354Profs*3) in the DMD gene. It is expected to result in an absent or disrupted protein product. Loss-of-function variants in DMD are known to be pathogenic (PMID: 16770791, 25007885).

Literature cited by the submitters: PubMed 16770791; PubMed 25007885.

NM_004006.3(DMD):c.4060dup (p.Leu1354fs)

Gene: DMD (dystrophin; minus strand). Cytogenetic location: Xp21.1.
Variant type: Duplication.
Coding change: c.4060dup on transcript NM_004006.3 (MANE Select); coding-DNA position 4060, one base duplicated (C; older notation c.4060dupC).
Protein change: p.Leu1354fs; shifts the reading frame from leucine 1354.
Molecular consequence: frameshift variant.
Genome position (GRCh38, 1-based): chrX:32,438,252, G duplicated on the plus strand (C on the coding strand, the reverse complement: DMD is on the minus strand). VCF-style (leftmost placement, unchanged base first): chrX-32438251-A-AG. GRCh37 (hg19) VCF-style: chrX-32456368-A-AG.
Other names: c.4036dup, p.Leu1346fs (NM_000109.4); c.4048dup, p.Leu1350fs (NM_004009.3); c.3691dup, p.Leu1231fs (NM_004010.3); short protein forms L1346fs, L1350fs, L1354fs, L1231fs.
Identifiers: ClinVar variation 1457489 (VCV001457489.6), dbSNP rs2148193045, ClinGen allele CA2573158803.
Genomic context (GRCh38, chrX:32,438,251, plus strand): 5'-TATACATTAATGCAAATTAGATTAAAGAGATTTTTCACTTATCTTCATACCTCTTCATGT[A>AG]GTTCCCTCCAACGAGAATTAAATGTCTCAAGTTCCTCATTGATTAGCTCATCCATGACTC-3'